The following is an entry in ClinVar:

ClinVar aggregate classification (germline): Conflicting classifications of pathogenicity. Review status: criteria provided, conflicting classifications (1 of 4 stars). 3 submissions from 3 submitters: Uncertain significance (1); Likely benign (2). Last evaluated 2026-01-05.

Conditions:
Neurofibromatosis, type 2 (SWNV). Also called: BILATERAL ACOUSTIC NEUROFIBROMATOSIS; SCHWANNOMATOSIS, VESTIBULAR; NF2-Related Schwannomatosis. Identifiers: Orphanet 637, MedGen C0027832, MONDO:0007039, OMIM 101000. Disease mechanism: loss of function.
Hereditary cancer-predisposing syndrome. Also called: Neoplastic Syndromes, Hereditary; Tumor predisposition; Hereditary neoplastic syndrome; Hereditary Cancer Syndrome. Identifiers: Orphanet 140162, MedGen C0027672, MeSH D009386, MONDO:0015356.

Allele frequency attached by ClinVar (database versions not stated): gnomAD exomes below 0.00001.
gnomAD v4.1: 3 of 1,614,192 alleles (0.00019%); highest among the groups gnomAD compares: Non-Finnish European, 0.00025%; no homozygotes.

Submissions (3):

Labcorp Genetics (formerly Invitae), Labcorp
Classification: Likely benign for Neurofibromatosis, type 2. Last evaluated: 2026-01-05. Review status: criteria provided, single submitter. Criteria: Invitae Variant Classification Sherloc (09022015). Collection method: clinical testing. Allele origin: germline.

All of Us Research Program, National Institutes of Health
Classification: Uncertain significance for Neurofibromatosis, type 2. Last evaluated: 2023-08-23. Review status: criteria provided, single submitter. Criteria: ACMG Guidelines, 2015. Collection method: clinical testing. Allele origin: germline. Inheritance: Autosomal dominant inheritance. Observed: 2 variant alleles, 2 heterozygotes.
Comment: This variant is located in the NF2 protein. To our knowledge, functional studies have not been reported for this variant. This variant has not been reported in individuals affected with NF2-related disorders in the literature. This variant has not been identified in the general population by the Genome Aggregation Database (gnomAD). The available evidence is insufficient to determine the role of this variant in disease conclusively. Therefore, this variant is classified as a Variant of Uncertain Significance.

This study involves interpretation of variants in research participants for the purpose of population health screening. Participant phenotype was not available at the time of variant classification. Additional details can be found in publication PMID: 35346344, PMCID: PMC8962531

Ambry Genetics
Classification: Likely benign for Hereditary cancer-predisposing syndrome. Last evaluated: 2021-04-05. Review status: criteria provided, single submitter. Criteria: Ambry Variant Classification Scheme 2023. Collection method: clinical testing. Allele origin: germline.

NM_000268.4(NF2):c.789C>T (p.Asn263=)

Gene: NF2 (NF2, moesin-ezrin-radixin like (MERLIN) tumor suppressor; plus strand). Cytogenetic location: 22q12.2.
Variant type: single nucleotide variant.
Coding change: c.789C>T on transcript NM_000268.4 (MANE Select); coding-DNA position 789, C replaced by T.
Protein change: p.Asn263=; no amino-acid change (asparagine 263 retained).
Molecular consequence: synonymous variant. On other transcripts: non-coding transcript variant (1), intron variant (1).
Genome position (GRCh38, 1-based): chr22:29,661,318, C>T. VCF-style: chr22-29661318-C-T. GRCh37 (hg19) VCF-style: chr22-30057307-C-T.
Other names: c.789C>T, p.Asn263= (NM_016418.5, NM_181825.3, NM_181832.3); c.663C>T, p.Asn221= (NM_181828.3); c.666C>T, p.Asn222= (NM_181829.3); c.540C>T, p.Asn180= (NM_181830.3, NM_181831.3); c.447+19033C>T (NM_181833.3).
Identifiers: ClinVar variation 457926 (VCV000457926.14), dbSNP rs1555996218, ClinGen allele CA514183229.